The following is an entry in ClinVar:

ClinVar aggregate classification (germline): Pathogenic/Likely pathogenic. Review status: criteria provided, multiple submitters, no conflicts (2 of 4 stars). 7 submissions from 7 submitters: Pathogenic (3); Likely pathogenic (3). 1 of the submissions does not count toward it. Last evaluated 2026-02-25.

Conditions:
BBS10-related disorder. Also called: BBS10-related condition.
Bardet-Biedl syndrome 10 (BBS10). Identifiers: Orphanet 110, MedGen C1859568, MONDO:0014438, OMIM 615987.
Bardet-Biedl syndrome (BBS). Identifiers: Orphanet 110, MedGen C0752166, MONDO:0015229.

Allele frequency attached by ClinVar (database versions not stated): TOPMed 0.00002.

Submissions (7):

PreventionGenetics, part of Exact Sciences
Classification: Pathogenic for BBS10-related condition. Last evaluated: 2026-02-25. Review status: criteria provided, single submitter. Criteria: ACMG Guidelines, 2015. Collection method: clinical testing. Allele origin: germline.
Comment: The BBS10 c.1767C>A variant is predicted to result in premature protein termination (p.Tyr589*). This nonsense variant was documented homozygous in an individual with heterotaxy (Supplementary Table 5 in Jin et al 2017. PubMed ID: 28991257). This variant was also reported in the homozygous state in an individual with heterotaxy and retinal degeneration (Pechhacker et al. 2021. PubMed ID: 34940782). This variant has not been reported in a large population database (gnomAD), indicating this variant is rare. Loss-of-function variants upstream and downstream of the c.1767C>A have been described in individuals with Bardet-Biedl syndrome. This variant is interpreted as pathogenic.

Laboratorio de Genetica e Diagnostico Molecular, Hospital Israelita Albert Einstein
Classification: Likely pathogenic for Bardet-Biedl syndrome 10. Last evaluated: 2024-06-21. Review status: criteria provided, single submitter. Criteria: ACMG Guidelines, 2015. Collection method: clinical testing. Allele origin: germline. Affected: yes.
Comment: ACMG classification criteria: PVS1 strong, PM2 supporting, PM3 supporting

Labcorp Genetics (formerly Invitae), Labcorp
Classification: Pathogenic for Bardet-Biedl syndrome. Last evaluated: 2021-09-01. Review status: criteria provided, single submitter. Criteria: Invitae Variant Classification Sherloc (09022015). Collection method: clinical testing. Allele origin: germline.
Comment: For these reasons, this variant has been classified as Pathogenic. This variant disrupts a region of the BBS10 protein in which other variant(s) (p.Val707*) have been determined to be pathogenic (PMID: 20472660, 25982971, 27486776). This suggests that this is a clinically significant region of the protein, and that variants that disrupt it are likely to be disease-causing. ClinVar contains an entry for this variant (Variation ID: 560964). This variant has not been reported in the literature in individuals affected with BBS10-related conditions. This variant is not present in population databases (ExAC no frequency). This sequence change creates a premature translational stop signal (p.Tyr589*) in the BBS10 gene. While this is not anticipated to result in nonsense mediated decay, it is expected to disrupt the last 135 amino acid(s) of the BBS10 protein.

GeneDx
Classification: Likely pathogenic. Last evaluated: 2020-03-02. Review status: criteria provided, single submitter. Criteria: GeneDx Variant Classification Process June 2021. Collection method: clinical testing. Allele origin: germline. Affected: yes.
Comment: Nonsense variant in the C-terminus predicted to result in protein truncation, as the last 135 amino acids are lost, and other loss-of-function variants have been reported downstream in the Human Gene Mutation Database (Stenson et al., 2014); Not observed in large population cohorts (Lek et al., 2016); This variant is associated with the following publications: (PMID: 25326635, 28991257)

Women's Health and Genetics/Laboratory Corporation of America, LabCorp
Classification: Likely pathogenic for Bardet-Biedl syndrome 10. Last evaluated: 2017-12-28. Review status: criteria provided, single submitter. Criteria: LabCorp Variant Classification Summary - May 2015. Collection method: clinical testing. Allele origin: germline.
Comment: Variant summary: The BBS10 c.1767C>A (p.Tyr589X) variant results in a premature termination codon, predicted to cause a truncated or absent BBS10 protein due to nonsense mediated decay, which are commonly known mechanisms for disease. Truncations downstream of this position have been classified as pathogenic by our laboratory (e.g.c.2119_2120delGT/p.Val707fsX1). One in silico tool predicts a damaging outcome for this variant. Taken together, this variant is classified as likely pathogenic.

Baylor Genetics
Classification: Pathogenic for Bardet-Biedl syndrome 10. Last evaluated: 2017-09-01. Review status: criteria provided, single submitter. Criteria: ACMG Guidelines, 2015. Collection method: clinical testing. Allele origin: germline. Inheritance: Autosomal recessive inheritance. Affected: yes.
Comment: This nonsense mutation is categorized as deleterious according to ACMG guidelines (PMID:18414213).

Natera, Inc.
Classification: Likely pathogenic for Bardet-Biedl syndrome type 10. Last evaluated: 2020-09-16. Review status: no assertion criteria provided. Collection method: clinical testing. Allele origin: germline. Not counted in ClinVar's aggregate classification.

Literature cited by the submitters: PubMed 20472660 (cited by Labcorp Genetics (formerly Invitae), Labcorp); PubMed 25982971 (cited by Labcorp Genetics (formerly Invitae), Labcorp); PubMed 27486776 (cited by Labcorp Genetics (formerly Invitae), Labcorp); PubMed 25326635 (cited by Baylor Genetics).

NM_024685.4(BBS10):c.1767C>A (p.Tyr589Ter)

Gene: BBS10 (Bardet-Biedl syndrome 10; minus strand). Cytogenetic location: 12q21.2.
Variant type: single nucleotide variant.
Coding change: c.1767C>A on transcript NM_024685.4 (MANE Select); coding-DNA position 1767, C replaced by A.
Protein change: p.Tyr589Ter; replaces tyrosine 589 with a stop codon.
Molecular consequence: nonsense.
Genome position (GRCh38, 1-based): chr12:76,346,218, G>T on the plus strand (C>A on the coding strand, the complement: BBS10 is on the minus strand). VCF-style: chr12-76346218-G-T. GRCh37 (hg19) VCF-style: chr12-76739998-G-T.
Other names: c.1767C>A, p.Tyr589Ter (LRG_1255t1); short protein forms Y589*.
Identifiers: ClinVar variation 560964 (VCV000560964.13), dbSNP rs1565809409, ClinGen allele CA385810000.
Genomic context (GRCh38, chr12:76,346,218, plus strand): 5'-CAAGATCTCAAAATTACCACCTACTGGCAAAACACAACCAGCTGGCATAGATGAGGAAAG[G>T]TAACTCTGGGAAGTACCCATATTCGGTAACTTACAGCTCACTGGTAACATGCTTCCCTTT-3'